The following is an entry in ClinVar:

NM_001201543.2(FAM161A):c.1047A>C (p.Lys349Asn)

Gene: FAM161A (FAM161 centrosomal protein A; minus strand). Cytogenetic location: 2p15.
Variant type: single nucleotide variant.
Coding change: c.1047A>C on transcript NM_001201543.2 (MANE Select); coding-DNA position 1047, A replaced by C.
Protein change: p.Lys349Asn; replaces lysine 349 with asparagine.
Molecular consequence: missense variant. On other transcripts: non-coding transcript variant (1).
Genome position (GRCh38, 1-based): chr2:61,839,957, T>G on the plus strand (A>C on the coding strand, the complement: FAM161A is on the minus strand). VCF-style: chr2-61839957-T-G. GRCh37 (hg19) VCF-style: chr2-62067092-T-G.
Other names: c.1047A>C, p.Lys349Asn (NM_032180.3); short protein forms K349N.
Identifiers: ClinVar variation 1425971 (VCV001425971.8), dbSNP rs1385808605, ClinGen allele CA346987545.
Genomic context (GRCh38, chr2:61,839,957, plus strand): 5'-GGTAGTTGAACCATAAGTAGATCGAGGAATGGGTCTGGCTTTAAATCGATTTGTTTTCTT[T>G]TTATACTTAAGAAAGTCTCTCAGCTGCTTTTCCCGGGCTGCTCGCTTCTGTTCCTCCCTT-3'
Protein context (NP_001188472.1, residues 339-359): EKQLRDFLKY[Lys349Asn]KKTNRFKARP

ClinVar aggregate classification (germline): Uncertain significance (1 of 4 stars; one submission).

Allele frequency attached by ClinVar (database versions not stated): TOPMed 0.00001; gnomAD 0.00002.
gnomAD v4.1: 3 of 1,614,094 alleles (0.00019%); highest among the groups gnomAD compares: Non-Finnish European, 0.00025%; no homozygotes.

Submission:

Labcorp Genetics (formerly Invitae), Labcorp
Classification: Uncertain significance. Last evaluated: 2023-11-06. Review status: criteria provided, single submitter. Criteria: Invitae Variant Classification Sherloc (09022015). Collection method: clinical testing. Allele origin: germline.
Comment: This sequence change replaces lysine, which is basic and polar, with asparagine, which is neutral and polar, at codon 349 of the FAM161A protein (p.Lys349Asn). This variant is not present in population databases (gnomAD no frequency). This variant has not been reported in the literature in individuals affected with FAM161A-related conditions. ClinVar contains an entry for this variant (Variation ID: 1425971). Advanced modeling of protein sequence and biophysical properties (such as structural, functional, and spatial information, amino acid conservation, physicochemical variation, residue mobility, and thermodynamic stability) performed at Invitae indicates that this missense variant is expected to disrupt FAM161A protein function with a positive predictive value of 80%. In summary, the available evidence is currently insufficient to determine the role of this variant in disease. Therefore, it has been classified as a Variant of Uncertain Significance.